The following is an entry in ClinVar:

ClinVar aggregate classification (germline): Uncertain significance (1 of 4 stars; one submission).

Allele frequency attached by ClinVar (database versions not stated): gnomAD exomes below 0.00001.
gnomAD v4.1: 1 of 1,614,050 alleles (0.000062%); highest among the groups gnomAD compares: Non-Finnish European, 0.000085%; no homozygotes.

Submission:

Labcorp Genetics (formerly Invitae), Labcorp
Classification: Uncertain significance. Last evaluated: 2022-08-05. Review status: criteria provided, single submitter. Criteria: Invitae Variant Classification Sherloc (09022015). Collection method: clinical testing. Allele origin: germline.
Comment: This variant has not been reported in the literature in individuals affected with MGME1-related conditions. Algorithms developed to predict the effect of missense changes on protein structure and function (SIFT, PolyPhen-2, Align-GVGD) all suggest that this variant is likely to be tolerated. This variant is not present in population databases (gnomAD no frequency). In summary, the available evidence is currently insufficient to determine the role of this variant in disease. Therefore, it has been classified as a Variant of Uncertain Significance. This sequence change replaces glutamine, which is neutral and polar, with lysine, which is basic and polar, at codon 338 of the MGME1 protein (p.Gln338Lys).

NM_052865.4(MGME1):c.1012C>A (p.Gln338Lys)

Gene: MGME1 (mitochondrial genome maintenance exonuclease 1; plus strand). Cytogenetic location: 20p11.23.
Variant type: single nucleotide variant.
Coding change: c.1012C>A on transcript NM_052865.4 (MANE Select); coding-DNA position 1012, C replaced by A.
Protein change: p.Gln338Lys; replaces glutamine 338 with lysine.
Molecular consequence: missense variant. On other transcripts: nonsense (1).
Genome position (GRCh38, 1-based): chr20:17,990,086, C>A. VCF-style: chr20-17990086-C-A. GRCh37 (hg19) VCF-style: chr20-17970729-C-A.
Other names: c.1057C>A, p.Gln353Lys (NM_001310338.2); c.659C>A, p.Ser220Ter (NM_001310339.2); c.772C>A, p.Gln258Lys (NM_001363738.2); short protein forms Q353K, Q258K, Q338K, S220*.
Identifiers: ClinVar variation 2181132 (VCV002181132.4), dbSNP rs2515339329, ClinGen allele CA408330359.
Genomic context (GRCh38, chr20:17,990,086, plus strand): 5'-TGGACCAAGTGGCTTCTTCGACTAGAAGAATATACGGAAAAGAAAAAGAACCAGAATATT[C>A]AGAAACCAGAATATTCAGAATAGGGAGCAAGTTGCTATTTGGGAACATTCAGCACCTTCT-3'
Protein context (NP_443097.1, residues 328-344): YTEKKKNQNI[Gln338Lys]KPEYSE